The following is an entry in ClinVar:

ClinVar aggregate classification (germline): Uncertain significance (1 of 4 stars; one submission).

Conditions:
Fanconi anemia (FA). Also called: Fanconi's anemia. Identifiers: Orphanet 84, MedGen C0015625, MeSH D005199, MONDO:0019391.

Submission:

Labcorp Genetics (formerly Invitae), Labcorp
Classification: Uncertain significance for Fanconi anemia. Last evaluated: 2022-09-26. Review status: criteria provided, single submitter. Criteria: Invitae Variant Classification Sherloc (09022015). Collection method: clinical testing. Allele origin: germline.
Comment: This variant has not been reported in the literature in individuals affected with FANCD2-related conditions. This variant is not present in population databases (gnomAD no frequency). This sequence change replaces threonine, which is neutral and polar, with arginine, which is basic and polar, at codon 874 of the FANCD2 protein (p.Thr874Arg). Advanced modeling of protein sequence and biophysical properties (such as structural, functional, and spatial information, amino acid conservation, physicochemical variation, residue mobility, and thermodynamic stability) performed at Invitae indicates that this missense variant is not expected to disrupt FANCD2 protein function. In summary, the available evidence is currently insufficient to determine the role of this variant in disease. Therefore, it has been classified as a Variant of Uncertain Significance.

NM_001018115.3(FANCD2):c.2621C>G (p.Thr874Arg)

Genes: FANCD2 (FA complementation group D2; plus strand), LOC107303338 (3p25 FANCD2 Alu-mediated recombination region; plus strand). Cytogenetic location: 3p25.3.
Variant type: single nucleotide variant.
Coding change: c.2621C>G on transcript NM_001018115.3 (MANE Select); coding-DNA position 2621, C replaced by G.
Protein change: p.Thr874Arg; replaces threonine 874 with arginine.
Molecular consequence: missense variant.
Genome position (GRCh38, 1-based): chr3:10,073,268, C>G. VCF-style: chr3-10073268-C-G. GRCh37 (hg19) VCF-style: chr3-10114952-C-G.
Other names: c.2621C>G, p.Thr874Arg (NM_001319984.2, NM_001374254.1, NM_033084.6); c.2510C>G, p.Thr837Arg (NM_001374253.1); short protein forms T837R, T874R.
Identifiers: ClinVar variation 1719622 (VCV001719622.5), dbSNP rs2469993598, ClinGen allele CA351742414.